The following is an entry in ClinVar:

NM_005219.5(DIAPH1):c.3689C>T (p.Thr1230Ile)

Gene: DIAPH1 (diaphanous related formin 1; minus strand). Cytogenetic location: 5q31.3.
Variant type: single nucleotide variant.
Coding change: c.3689C>T on transcript NM_005219.5 (MANE Select); coding-DNA position 3689, C replaced by T.
Protein change: p.Thr1230Ile; replaces threonine 1230 with isoleucine.
Molecular consequence: missense variant.
Genome position (GRCh38, 1-based): chr5:141,516,981, G>A on the plus strand (C>T on the coding strand, the complement: DIAPH1 is on the minus strand). VCF-style: chr5-141516981-G-A. GRCh37 (hg19) VCF-style: chr5-140896548-G-A.
Other names: c.3662C>T, p.Thr1221Ile (NM_001079812.3); c.3742C>T, p.His1248Tyr (NM_001314007.2); short protein forms T1230I, H1248Y, T1221I.
Identifiers: ClinVar variation 1482514 (VCV001482514.6), dbSNP rs2099885782, ClinGen allele CA361572707.

ClinVar aggregate classification (germline): Uncertain significance (1 of 4 stars; one submission).

Conditions:
Autosomal dominant nonsyndromic hearing loss 1. Also called: DEAFNESS, AUTOSOMAL DOMINANT 1, WITH OR WITHOUT THROMBOCYTOPENIA; KONIGSMARK SYNDROME. Identifiers: Orphanet 90635, MedGen C1852282, MONDO:0007424, OMIM 124900.
Progressive microcephaly-seizures-cortical blindness-developmental delay syndrome. Also called: Seizures, cortical blindness, and microcephaly syndrome. Identifiers: Orphanet 477814, MedGen C5567650, MONDO:0014714, OMIM 616632.

Submission:

Labcorp Genetics (formerly Invitae), Labcorp
Classification: Uncertain significance for Progressive microcephaly-seizures-cortical blindness-developmental delay syndrome; Autosomal dominant nonsyndromic hearing loss 1. Last evaluated: 2021-10-17. Review status: criteria provided, single submitter. Criteria: Invitae Variant Classification Sherloc (09022015). Collection method: clinical testing. Allele origin: germline.
Comment: This variant has not been reported in the literature in individuals affected with DIAPH1-related conditions. This sequence change replaces threonine with isoleucine at codon 1230 of the DIAPH1 protein (p.Thr1230Ile). The threonine residue is moderately conserved and there is a moderate physicochemical difference between threonine and isoleucine. This variant is not present in population databases (ExAC no frequency). Algorithms developed to predict the effect of missense changes on protein structure and function output the following: SIFT: "Tolerated"; PolyPhen-2: "Benign"; Align-GVGD: "Class C0". The isoleucine amino acid residue is found in multiple mammalian species, which suggests that this missense change does not adversely affect protein function. In summary, the available evidence is currently insufficient to determine the role of this variant in disease. Therefore, it has been classified as a Variant of Uncertain Significance.